The following is an entry in ClinVar:

ClinVar aggregate classification (germline): Likely benign. Review status: criteria provided, single submitter (1 of 4 stars). 2 submissions from 2 submitters: Likely benign (1). 1 of the submissions does not count toward it. Last evaluated 2019-12-31.

Conditions:
ECEL1-related disorder. Also called: ECEL1-related condition.

Allele frequency attached by ClinVar (database versions not stated): gnomAD 0.00054; TOPMed 0.00058; ESP Exome Variant Server 0.00085; 1000 Genomes Project 0.00200; 1000 Genomes Project 30x 0.00234.
gnomAD v4.1: 179 of 1,613,784 alleles (0.011%); highest among the groups gnomAD compares: African/African-American, 0.2%; no homozygotes.

Submissions (2):

Labcorp Genetics (formerly Invitae), Labcorp
Classification: Likely benign. Last evaluated: 2019-12-31. Review status: criteria provided, single submitter. Criteria: Invitae Variant Classification Sherloc (09022015). Collection method: clinical testing. Allele origin: germline.

PreventionGenetics, part of Exact Sciences
Classification: Likely benign for ECEL1-related condition. Last evaluated: 2022-07-21. Review status: no assertion criteria provided. Collection method: clinical testing. Allele origin: germline. Not counted in ClinVar's aggregate classification.
Comment: This variant is classified as likely benign based on ACMG/AMP sequence variant interpretation guidelines (Richards et al. 2015 PMID: 25741868, with internal and published modifications).

NM_004826.4(ECEL1):c.987C>A (p.Asp329Glu)

Gene: ECEL1 (endothelin converting enzyme like 1; minus strand). Cytogenetic location: 2q37.1.
Variant type: single nucleotide variant.
Coding change: c.987C>A on transcript NM_004826.4 (MANE Select); coding-DNA position 987, C replaced by A.
Protein change: p.Asp329Glu; replaces aspartic acid 329 with glutamic acid.
Molecular consequence: missense variant.
Genome position (GRCh38, 1-based): chr2:232,484,873, G>T on the plus strand (C>A on the coding strand, the complement: ECEL1 is on the minus strand). VCF-style: chr2-232484873-G-T. GRCh37 (hg19) VCF-style: chr2-233349583-G-T.
Other names: c.987C>A, p.Asp329Glu (NM_001290787.2); short protein forms D329E.
Identifiers: ClinVar variation 744403 (VCV000744403.6), dbSNP rs141823461, ClinGen allele CA2167440.
Genomic context (GRCh38, chr2:232,484,873, plus strand): 5'-CTTCTGCAGCTGCCCCAGCGTCACCTTGTTGTACATGGAGCTGACATCTCGCCGTAGGTC[G>T]TCATGCTCTGACACAGTGATCTGTGGGGAGAGATCACAGCTGACCCAGCCCTGCTCCATG-3'
Protein context (NP_004817.2, residues 319-339): QLANITVSEH[Asp329Glu]DLRRDVSSMY